The following is an entry in ClinVar:

NM_001041.4(SI):c.3423+3A>G

Gene: SI (sucrase-isomaltase; minus strand). Cytogenetic location: 3q26.1.
Variant type: single nucleotide variant.
Coding change: c.3423+3A>G on transcript NM_001041.4 (MANE Select); 3 bases into the intron after coding-DNA position 3423, A replaced by G.
Molecular consequence: intron variant.
Genome position (GRCh38, 1-based): chr3:165,019,599, T>C on the plus strand (A>G on the coding strand, the complement: SI is on the minus strand). VCF-style: chr3-165019599-T-C. GRCh37 (hg19) VCF-style: chr3-164737387-T-C.
Identifiers: ClinVar variation 1429530 (VCV001429530.7), dbSNP rs766943944, ClinGen allele CA2690288.

ClinVar aggregate classification (germline): Uncertain significance. Review status: criteria provided, multiple submitters, no conflicts (2 of 4 stars). 2 submissions from 2 submitters: Uncertain significance (2). Last evaluated 2025-09-28.

Conditions:
Sucrase-isomaltase deficiency (CSID). Also called: Deficiency of isomaltase; SI DEFICIENCY; Congenital sucrose isomaltose malabsorption; Sucrose isomaltose enzyme deficiency. Identifiers: Orphanet 35122, MedGen C1283620, MONDO:0009114, OMIM 222900.

Allele frequency attached by ClinVar (database versions not stated): ExAC 0.00001; gnomAD 0.00001; gnomAD exomes 0.00002 and 0.00004.
gnomAD v4.1: 24 of 1,611,818 alleles (0.0015%); highest among the groups gnomAD compares: East Asian, 0.013%; no homozygotes.

Submissions (2):

Labcorp Genetics (formerly Invitae), Labcorp
Classification: Uncertain significance. Last evaluated: 2025-09-28. Review status: criteria provided, single submitter. Criteria: Invitae Variant Classification Sherloc (09022015). Collection method: clinical testing. Allele origin: germline.
Comment: This sequence change falls in intron 28 of the SI gene. It does not directly change the encoded amino acid sequence of the SI protein. It affects a nucleotide within the consensus splice site. This variant is present in population databases (rs766943944, gnomAD 0.03%). This variant has not been reported in the literature in individuals affected with SI-related conditions. ClinVar contains an entry for this variant (Variation ID: 1429530). Variants that disrupt the consensus splice site are a relatively common cause of aberrant splicing (PMID: 17576681, 9536098). Algorithms developed to predict the effect of sequence changes on RNA splicing suggest that this variant may disrupt the consensus splice site. In summary, the available evidence is currently insufficient to determine the role of this variant in disease. Therefore, it has been classified as a Variant of Uncertain Significance.

Fulgent Genetics
Classification: Uncertain significance for Sucrase-isomaltase deficiency. Last evaluated: 2024-02-05. Review status: criteria provided, single submitter. Criteria: ACMG Guidelines, 2015. Collection method: clinical testing. Allele origin: germline.

Literature cited by the submitters: PubMed 17576681 (cited by Labcorp Genetics (formerly Invitae), Labcorp); PubMed 9536098 (cited by Labcorp Genetics (formerly Invitae), Labcorp).